The following is an entry in ClinVar:

NM_014795.4(ZEB2):c.1928A>G (p.Lys643Arg)

Gene: ZEB2 (zinc finger E-box binding homeobox 2; minus strand). Cytogenetic location: 2q22.3.
Variant type: single nucleotide variant.
Coding change: c.1928A>G on transcript NM_014795.4 (MANE Select); coding-DNA position 1928, A replaced by G.
Protein change: p.Lys643Arg; replaces lysine 643 with arginine.
Molecular consequence: missense variant.
Genome position (GRCh38, 1-based): chr2:144,399,259, T>C on the plus strand (A>G on the coding strand, the complement: ZEB2 is on the minus strand). VCF-style: chr2-144399259-T-C. GRCh37 (hg19) VCF-style: chr2-145156826-T-C.
Other names: c.1856A>G, p.Lys619Arg (NM_001171653.2); short protein forms K619R, K643R.
Identifiers: ClinVar variation 3024925 (VCV003024925.24), dbSNP rs370315351, ClinGen allele CA1898293.

ClinVar aggregate classification (germline): Uncertain significance. Review status: criteria provided, multiple submitters, no conflicts (2 of 4 stars). 2 submissions from 2 submitters: Uncertain significance (2). Last evaluated 2024-06-11.

Conditions:
Mowat-Wilson syndrome (MOWS). Also called: Classic Mowat-Wilson Syndrome. Identifiers: Orphanet 2152, MedGen C1856113, MONDO:0009341, OMIM 235730.

Allele frequency attached by ClinVar (database versions not stated): gnomAD exomes below 0.00001; gnomAD 0.00001; TOPMed 0.00001; ExAC 0.00002; ESP Exome Variant Server 0.00015.
gnomAD v4.1: 3 of 1,614,026 alleles (0.00019%); highest among the groups gnomAD compares: Non-Finnish European, 0.00025%; no homozygotes.

Submissions (2):

Labcorp Genetics (formerly Invitae), Labcorp
Classification: Uncertain significance for Mowat-Wilson syndrome. Last evaluated: 2024-06-11. Review status: criteria provided, single submitter. Criteria: Invitae Variant Classification Sherloc (09022015). Collection method: clinical testing. Allele origin: germline.
Comment: This sequence change replaces lysine, which is basic and polar, with arginine, which is basic and polar, at codon 643 of the ZEB2 protein (p.Lys643Arg). This variant is present in population databases (rs370315351, gnomAD 0.0009%). This variant has not been reported in the literature in individuals affected with ZEB2-related conditions. Advanced modeling of protein sequence and biophysical properties (such as structural, functional, and spatial information, amino acid conservation, physicochemical variation, residue mobility, and thermodynamic stability) performed at Invitae indicates that this missense variant is not expected to disrupt ZEB2 protein function with a negative predictive value of 80%. In summary, the available evidence is currently insufficient to determine the role of this variant in disease. Therefore, it has been classified as a Variant of Uncertain Significance.

CeGaT Center for Human Genetics Tuebingen
Classification: Uncertain significance. Last evaluated: 2024-01-01. Review status: criteria provided, single submitter. Criteria: CeGaT Center For Human Genetics Tuebingen Variant Classification Criteria Version 2. Collection method: clinical testing. Allele origin: germline. Affected: yes. Observed: 1 variant allele.